The following is an entry in ClinVar:

ClinVar aggregate classification (germline): Pathogenic (1 of 4 stars; one submission).

Submission:

Labcorp Genetics (formerly Invitae), Labcorp
Classification: Pathogenic. Last evaluated: 2022-08-27. Review status: criteria provided, single submitter. Criteria: Invitae Variant Classification Sherloc (09022015). Collection method: clinical testing. Allele origin: germline.
Comment: This sequence change creates a premature translational stop signal (p.Phe184*) in the RELA gene. It is expected to result in an absent or disrupted protein product. Loss-of-function variants in RELA are known to be pathogenic (PMID: 28600438). This variant is not present in population databases (gnomAD no frequency). This variant has not been reported in the literature in individuals affected with RELA-related conditions. For these reasons, this variant has been classified as Pathogenic.

Literature cited by the submitters: PubMed 28600438.

NM_021975.4(RELA):c.549_550del (p.Ile183_Phe184insTer)

Gene: RELA (RELA proto-oncogene, NF-kB subunit; minus strand). Cytogenetic location: 11q13.1.
Variant type: Deletion.
Coding change: c.549_550del on transcript NM_021975.4 (MANE Select); coding-DNA positions 549 to 550, 2 bases deleted (CT; older notation c.549_550delCT).
Protein change: p.Ile183_Phe184insTer.
Molecular consequence: frameshift variant. On other transcripts: nonsense (7).
Genome position (GRCh38, 1-based): chr11:65,659,675-65,659,676, AG deleted on the plus strand (CT on the coding strand, the reverse complement: RELA is on the minus strand); deleting any 2 consecutive bases within chr11:65,659,675-65,659,677 gives the same sequence; the c. name uses the placement nearest the transcript's 3' end. VCF-style (leftmost placement, unchanged base first): chr11-65659674-AAG-A. GRCh37 (hg19) VCF-style: chr11-65427145-AAG-A.
Other names: c.540_541del, p.Ile180_Phe181insTer (NM_001145138.2); c.549_550del, p.Ile183_Phe184insTer (NM_001243984.2, NM_001243985.2); c.581_582delTC, p.Phe195Terfs (NM_001404657.1); c.521_522delTC, p.Phe175Terfs (NM_001404658.1); c.548_549delTC, p.Phe184Terfs (NM_001404659.1, NM_001404660.1); c.167_168delTC, p.Phe57Terfs (NM_001404661.1); c.455_456delTC, p.Phe153Terfs (NM_001404662.1, NM_001404663.1).
Identifiers: ClinVar variation 2027397 (VCV002027397.4), dbSNP rs1213368057, ClinGen allele CA679342928.